The following is an entry in ClinVar:

NM_000038.6(APC):c.2258del (p.His753fs)

Gene: APC (APC regulator of Wnt signaling pathway; plus strand). Cytogenetic location: 5q22.2.
Variant type: Deletion.
Coding change: c.2258del on transcript NM_000038.6 (MANE Select); coding-DNA position 2258, one base deleted (A; older notation c.2258delA).
Protein change: p.His753fs; shifts the reading frame from histidine 753.
Molecular consequence: frameshift variant. On other transcripts: non-coding transcript variant (2).
Genome position (GRCh38, 1-based): chr5:112,837,852, A deleted. VCF-style (leftmost placement, unchanged base first): chr5-112837851-CA-C. GRCh37 (hg19) VCF-style: chr5-112173548-CA-C.
Other names: c.2258delA (NM_000038.5); c.2258del, p.His753fs (NM_001127510.3, NM_001354895.2, NM_001407450.1); c.2204del, p.His735fs (NM_001127511.3); c.2312del, p.His771fs (NM_001354896.2, NM_001407447.1, NM_001407448.1 and 1 more transcripts); c.2288del, p.His763fs (NM_001354897.2); c.2183del, p.His728fs (NM_001354898.2); c.2174del, p.His725fs (NM_001354899.2); c.2135del, p.His712fs (NM_001354900.2); and 12 more; short protein forms H369fs, H470fs, H593fs, H624fs, H627fs, H652fs, H662fs, H670fs.
Identifiers: ClinVar variation 2583390 (VCV002583390.5), dbSNP rs2533408230, ClinGen allele CA2582341443.

ClinVar aggregate classification (germline): Pathogenic/Likely pathogenic. Review status: criteria provided, multiple submitters, no conflicts (2 of 4 stars). 3 submissions from 3 submitters: Pathogenic (2); Likely pathogenic (1). Last evaluated 2026-04-21.

Conditions:
Hereditary cancer-predisposing syndrome. Also called: Neoplastic Syndromes, Hereditary; Tumor predisposition; Hereditary Cancer Syndrome; Hereditary neoplastic syndrome. Identifiers: Orphanet 140162, MedGen C0027672, MeSH D009386, MONDO:0015356.
Familial adenomatous polyposis 1 (FAP1). Also called: FAMILIAL ADENOMATOUS POLYPOSIS 1, ATTENUATED; POLYPOSIS, ADENOMATOUS INTESTINAL. Identifiers: MedGen C2713442, MONDO:0021056, OMIM 175100. Disease mechanism: loss of function.

Submissions (3):

Ambry Genetics
Classification: Likely pathogenic for Hereditary cancer-predisposing syndrome. Last evaluated: 2026-04-21. Review status: criteria provided, single submitter. Criteria: Ambry Variant Classification Scheme 2023. Collection method: clinical testing. Allele origin: germline.
Comment: The c.2258delA variant, located in coding exon 15 of the APC gene, results from a deletion of one nucleotide at nucleotide position 2258, causing a translational frameshift with a predicted alternate stop codon (p.H753Lfs*8). This variant is considered to be rare based on population cohorts in the Genome Aggregation Database (gnomAD). This alteration is expected to result in loss of function by premature protein truncation or nonsense-mediated mRNA decay. As such, this alteration is interpreted as a disease-causing mutation.

Myriad Genetics, Inc.
Classification: Pathogenic for Familial adenomatous polyposis 1. Last evaluated: 2023-05-04. Review status: criteria provided, single submitter. Criteria: Myriad Autosomal Dominant, Autosomal Recessive and X-Linked Classification Criteria (2023). Collection method: clinical testing. Allele origin: unknown.
Comment: This variant is considered pathogenic. This variant creates a frameshift predicted to result in premature protein truncation.

Labcorp Genetics (formerly Invitae), Labcorp
Classification: Pathogenic for Familial adenomatous polyposis 1. Last evaluated: 2023-03-02. Review status: criteria provided, single submitter. Criteria: Invitae Variant Classification Sherloc (09022015). Collection method: clinical testing. Allele origin: germline.
Comment: This variant is not present in population databases (gnomAD no frequency). This sequence change creates a premature translational stop signal (p.His753Leufs*8) in the APC gene. While this is not anticipated to result in nonsense mediated decay, it is expected to disrupt the last 2091 amino acid(s) of the APC protein. A different truncation (p.Tyr2645Lysfs*14) that lies downstream of this variant has been determined to be pathogenic (PMID: 9824584, 1316610, 27081525, 8381579, 22135120, Invitae). This suggests that deletion of this region of the APC protein is causative of disease. For these reasons, this variant has been classified as Pathogenic. This variant is expected to disrupt the EB1 and HDLG binding sites, which mediate interactions with the cytoskeleton (PMID: 15311282, 17293347). While functional studies have not been performed to directly test the effect on APC protein function, this suggests that disruption of the C-terminal portion of the protein is functionally important. This variant has not been reported in the literature in individuals affected with APC-related conditions.

Literature cited by the submitters: PubMed 9824584 (cited by Labcorp Genetics (formerly Invitae), Labcorp); PubMed 1316610 (cited by Labcorp Genetics (formerly Invitae), Labcorp); PubMed 27081525 (cited by Labcorp Genetics (formerly Invitae), Labcorp); PubMed 8381579 (cited by Labcorp Genetics (formerly Invitae), Labcorp); PubMed 22135120 (cited by Labcorp Genetics (formerly Invitae), Labcorp); PubMed 15311282 (cited by Labcorp Genetics (formerly Invitae), Labcorp); PubMed 17293347 (cited by Labcorp Genetics (formerly Invitae), Labcorp).